The following is an entry in ClinVar:

NM_017780.4(CHD7):c.7711G>A (p.Val2571Ile)

Gene: CHD7 (chromodomain helicase DNA binding protein 7; plus strand). Cytogenetic location: 8q12.2.
Variant type: single nucleotide variant.
Coding change: c.7711G>A on transcript NM_017780.4 (MANE Select); coding-DNA position 7711, G replaced by A.
Protein change: p.Val2571Ile; replaces valine 2571 with isoleucine.
Molecular consequence: missense variant. On other transcripts: intron variant (1).
Genome position (GRCh38, 1-based): chr8:60,861,006, G>A. VCF-style: chr8-60861006-G-A. GRCh37 (hg19) VCF-style: chr8-61773565-G-A.
Other names: c.1717-1223G>A (NM_001316690.1); short protein forms V2571I.
Identifiers: ClinVar variation 1058678 (VCV001058678.9), dbSNP rs2129704568, ClinGen allele CA371304529.

ClinVar aggregate classification (germline): Uncertain significance (1 of 4 stars; one submission).

Conditions:
CHARGE syndrome (CHARGE). Also called: Hittner Hirsch Kreh syndrome; CHARGE ASSOCIATION--COLOBOMA, HEART ANOMALY, CHOANAL ATRESIA, RETARDATION, GENITAL AND EAR ANOMALIES; Coloboma, heart anomaly, choanal atresia, retardation, genital and ear anomalies; CHARGE association; Hall-Hittner syndrome. Identifiers: Orphanet 138, MedGen C0265354, MONDO:0008965.

Submission:

Labcorp Genetics (formerly Invitae), Labcorp
Classification: Uncertain significance for CHARGE syndrome. Last evaluated: 2023-08-04. Review status: criteria provided, single submitter. Criteria: Invitae Variant Classification Sherloc (09022015). Collection method: clinical testing. Allele origin: germline.
Comment: In summary, the available evidence is currently insufficient to determine the role of this variant in disease. Therefore, it has been classified as a Variant of Uncertain Significance. Advanced modeling of protein sequence and biophysical properties (such as structural, functional, and spatial information, amino acid conservation, physicochemical variation, residue mobility, and thermodynamic stability) has been performed at Invitae for this missense variant, however the output from this modeling did not meet the statistical confidence thresholds required to predict the impact of this variant on CHD7 protein function. ClinVar contains an entry for this variant (Variation ID: 1058678). This variant has not been reported in the literature in individuals affected with CHD7-related conditions. This variant is not present in population databases (gnomAD no frequency). This sequence change replaces valine, which is neutral and non-polar, with isoleucine, which is neutral and non-polar, at codon 2571 of the CHD7 protein (p.Val2571Ile).